The following is an entry in ClinVar:

NM_020638.3(FGF23):c.644A>G (p.Asp215Gly)

Gene: FGF23 (fibroblast growth factor 23; minus strand). Cytogenetic location: 12p13.32.
Variant type: single nucleotide variant.
Coding change: c.644A>G on transcript NM_020638.3 (MANE Select); coding-DNA position 644, A replaced by G.
Protein change: p.Asp215Gly; replaces aspartic acid 215 with glycine.
Molecular consequence: missense variant.
Genome position (GRCh38, 1-based): chr12:4,370,455, T>C on the plus strand (A>G on the coding strand, the complement: FGF23 is on the minus strand). VCF-style: chr12-4370455-T-C. GRCh37 (hg19) VCF-style: chr12-4479621-T-C.
Other names: short protein forms D215G.
Identifiers: ClinVar variation 452037 (VCV000452037.2), dbSNP rs1555096532, ClinGen allele CA383415890.
Genomic context (GRCh38, chr12:4,370,455, plus strand): 5'-TGCGTGTTCACTCGACCGCCCCTGACCACCCCTAATGGGTCACTGGCCATCGGGCTGTTG[T>C]CCTCGGCGCTCGGGAGCTCCTGTGAACAGGAGGCCGGGGCCGGGGTCATCCGGGCCCGGG-3'
Protein context (NP_065689.1, residues 205-225): SCSQELPSAE[Asp215Gly]NSPMASDPLG

ClinVar aggregate classification (germline): Uncertain significance (1 of 4 stars; one submission).

Submission:

GeneDx
Classification: Uncertain significance. Last evaluated: 2017-09-08. Review status: criteria provided, single submitter. Criteria: GeneDx Variant Classification (06012015). Collection method: clinical testing. Allele origin: germline. Affected: yes.
Comment: The D215G variant in the FGF23 gene has not been published as a pathogenic variant, nor has it been reported as a benign variant to our knowledge. This variant is not observed in large population cohorts (Lek et al., 2016; 1000 Genomes Consortium et al., 2015; Exome Variant Server). The D215G variant is a non-conservative amino acid substitution, which is likely to impact secondary protein structure as these residues differ in polarity, charge, size and/or other properties. This substitution occurs at a position that is not conserved. In silico analysis is inconsistent in its predictions as to whether or not the variant is damaging to the protein structure/function. Based on the currently available information, it is unclear whether this variant is a pathogenic variant or a rare benign variant. We consider it to be a variant of uncertain significance.